The following is an entry in ClinVar:

ClinVar aggregate classification (germline): Uncertain significance. Review status: criteria provided, multiple submitters, no conflicts (2 of 4 stars). 2 submissions from 2 submitters: Uncertain significance (2). Last evaluated 2025-09-01.

Submissions (3):

Ambry Genetics
Classification: Uncertain significance. Last evaluated: 2025-09-01. Review status: criteria provided, single submitter. Criteria: Ambry Variant Classification Scheme 2023. Collection method: clinical testing. Allele origin: germline.

GeneDx
Classification: Uncertain significance. Last evaluated: 2024-01-31. Review status: criteria provided, single submitter. Criteria: GeneDx Variant Classification Process June 2021. Collection method: clinical testing. Allele origin: germline. Affected: yes.
Comment: In silico analysis supports that this missense variant does not alter protein structure/function; Has not been previously published as pathogenic or benign to our knowledge

Dr. Peter K. Rogan Lab, Western University
No classification provided (evidence only). Condition: Gastric cancer. Review status: no classification provided. Collection method: in vitro. Allele origin: not applicable. Functional consequence: retained intron. Not counted in ClinVar's aggregate classification.

NM_152558.5(IQCE):c.1613A>G (p.Lys538Arg)

Gene: IQCE (IQ motif containing E; plus strand). Cytogenetic location: 7p22.3.
Variant type: single nucleotide variant.
Coding change: c.1613A>G on transcript NM_152558.5 (MANE Select); coding-DNA position 1613, A replaced by G.
Protein change: p.Lys538Arg; replaces lysine 538 with arginine.
Molecular consequence: missense variant.
Genome position (GRCh38, 1-based): chr7:2,601,445, A>G. VCF-style: chr7-2601445-A-G. GRCh37 (hg19) VCF-style: chr7-2641079-A-G.
Other names: NC_000007.13:g.2641079A>G; c.1613A>G, p.Lys538Arg (NM_001287499.2); c.1565A>G, p.Lys522Arg (NM_001287500.2, NM_001410865.1); c.1418A>G, p.Lys473Arg (NM_001287501.2, NM_001287502.2); c.1613A>G (NM_152558.3); short protein forms K473R, K522R, K538R.
Identifiers: ClinVar variation 3368250 (VCV003368250.3).
Genomic context (GRCh38, chr7:2,601,445, plus strand): 5'-ACATTCATCCTTCTCGTGTTAATTCATGTATTTTTTCTTTCTTTTTTTTTTTCCAGAAAA[A>G]AAAGGCTGTTCTGGATGAGGTAAGCGAGGTTTATTTCTTGTTTCAAAATTCGGATTTGTA-3'
Protein context (NP_689771.3, residues 528-548): AQWKVYKHKK[Lys538Arg]KAVLDEAAVV